The following is an entry in ClinVar:

NM_002291.3(LAMB1):c.3708G>C (p.Gln1236His)

Gene: LAMB1 (laminin subunit beta 1; minus strand). Cytogenetic location: 7q31.1.
Variant type: single nucleotide variant.
Coding change: c.3708G>C on transcript NM_002291.3 (MANE Select); coding-DNA position 3708, G replaced by C.
Protein change: p.Gln1236His; replaces glutamine 1236 with histidine.
Molecular consequence: missense variant.
Genome position (GRCh38, 1-based): chr7:107,940,042, C>G on the plus strand (G>C on the coding strand, the complement: LAMB1 is on the minus strand). VCF-style: chr7-107940042-C-G. GRCh37 (hg19) VCF-style: chr7-107580487-C-G.
Other names: short protein forms Q1236H.
Identifiers: ClinVar variation 2011038 (VCV002011038.4), dbSNP rs547294786, ClinGen allele CA164232070.

ClinVar aggregate classification (germline): Uncertain significance (1 of 4 stars; one submission).

Allele frequency attached by ClinVar (database versions not stated): gnomAD exomes below 0.00001; gnomAD 0.00001; 1000 Genomes Project 30x 0.00016; 1000 Genomes Project 0.00020.
gnomAD v4.1: 3 of 1,614,186 alleles (0.00019%); highest among the groups gnomAD compares: East Asian, 0.0022%; no homozygotes.

Submission:

Labcorp Genetics (formerly Invitae), Labcorp
Classification: Uncertain significance. Last evaluated: 2024-10-24. Review status: criteria provided, single submitter. Criteria: Invitae Variant Classification Sherloc (09022015). Collection method: clinical testing. Allele origin: germline.
Comment: This sequence change replaces glutamine, which is neutral and polar, with histidine, which is basic and polar, at codon 1236 of the LAMB1 protein (p.Gln1236His). This variant is present in population databases (rs547294786, gnomAD 0.003%). This variant has not been reported in the literature in individuals affected with LAMB1-related conditions. ClinVar contains an entry for this variant (Variation ID: 2011038). An algorithm developed to predict the effect of missense changes on protein structure and function outputs the following: PolyPhen-2: "Benign". The histidine amino acid residue is found in multiple mammalian species, which suggests that this missense change does not adversely affect protein function. In summary, the available evidence is currently insufficient to determine the role of this variant in disease. Therefore, it has been classified as a Variant of Uncertain Significance.